The following is an entry in ClinVar:

NM_001972.4(ELANE):c.160T>G (p.Phe54Val)

Gene: ELANE (elastase, neutrophil expressed; plus strand). Cytogenetic location: 19p13.3.
Variant type: single nucleotide variant.
Coding change: c.160T>G on transcript NM_001972.4 (MANE Select); coding-DNA position 160, T replaced by G.
Protein change: p.Phe54Val; replaces phenylalanine 54 with valine.
Molecular consequence: missense variant.
Genome position (GRCh38, 1-based): chr19:852,968, T>G. VCF-style: chr19-852968-T-G. GRCh37 (hg19) VCF-style: chr19-852968-T-G.
Other names: short protein forms F54V.
Identifiers: ClinVar variation 4783765 (VCV004783765.1).

ClinVar aggregate classification (germline): Uncertain significance (1 of 4 stars; one submission).

Conditions:
Neutropenia, severe congenital, 1, autosomal dominant. Identifiers: MedGen C1859966, MONDO:0042490, OMIM 202700.
Cyclical neutropenia. Also called: Cyclic Neutropenia; Cyclic hematopoiesis. Identifiers: Orphanet 2686, MedGen C0221023, MONDO:0008090, OMIM 162800, HP:0040289. Disease mechanism: loss of function.

Submission:

Labcorp Genetics (formerly Invitae), Labcorp
Classification: Uncertain significance for Neutropenia, severe congenital, 1, autosomal dominant; Cyclical neutropenia. Last evaluated: 2026-01-27. Review status: criteria provided, single submitter. Criteria: Invitae Variant Classification Sherloc (09022015). Collection method: clinical testing. Allele origin: germline.
Comment: This sequence change replaces phenylalanine, which is neutral and non-polar, with valine, which is neutral and non-polar, at codon 54 of the ELANE protein (p.Phe54Val). This variant is not present in population databases (gnomAD no frequency). This variant has not been reported in the literature in individuals affected with ELANE-related conditions. Invitae Evidence Modeling of protein sequence and biophysical properties (such as structural, functional, and spatial information, amino acid conservation, physicochemical variation, residue mobility, and thermodynamic stability) has been performed for this missense variant. However, the output from this modeling did not meet the statistical confidence thresholds required to predict the impact of this variant on ELANE protein function. In summary, the available evidence is currently insufficient to determine the role of this variant in disease. Therefore, it has been classified as a Variant of Uncertain Significance.